The following is an entry in ClinVar:

ClinVar aggregate classification (germline): Uncertain significance (1 of 4 stars; one submission).

gnomAD v4.1: 2 of 1,535,124 alleles (0.00013%); highest among the groups gnomAD compares: South Asian, 0.0022%; no homozygotes.

Submission:

Labcorp Genetics (formerly Invitae), Labcorp
Classification: Uncertain significance. Last evaluated: 2025-11-02. Review status: criteria provided, single submitter. Criteria: Invitae Variant Classification Sherloc (09022015). Collection method: clinical testing. Allele origin: germline.
Comment: This sequence change replaces glycine, which is neutral and non-polar, with aspartic acid, which is acidic and polar, at codon 677 of the PITRM1 protein (p.Gly677Asp). This variant is present in population databases (rs776127138, gnomAD 0.003%). This variant has not been reported in the literature in individuals affected with PITRM1-related conditions. An algorithm developed to predict the effect of missense changes on protein structure and function (PolyPhen-2) suggests that this variant is likely to be tolerated. In summary, the available evidence is currently insufficient to determine the role of this variant in disease. Therefore, it has been classified as a Variant of Uncertain Significance.

NM_014889.4(PITRM1):c.2324G>A (p.Gly775Asp)

Genes: PITRM1 (pitrilysin metallopeptidase 1; minus strand), PITRM1-AS1 (PITRM1 antisense RNA 1; plus strand). Cytogenetic location: 10p15.2.
Variant type: single nucleotide variant.
Coding change: c.2324G>A on transcript NM_014889.4 (MANE Select); coding-DNA position 2324, G replaced by A.
Protein change: p.Gly775Asp; replaces glycine 775 with aspartic acid.
Molecular consequence: missense variant. On other transcripts: non-coding transcript variant (5).
Genome position (GRCh38, 1-based): chr10:3,147,162, C>T on the plus strand (G>A on the coding strand, the complement: PITRM1 is on the minus strand). VCF-style: chr10-3147162-C-T. GRCh37 (hg19) VCF-style: chr10-3189354-C-T.
Other names: c.2327G>A, p.Gly776Asp (NM_001242307.2); c.2030G>A, p.Gly677Asp (NM_001242309.1); c.2126G>A, p.Gly709Asp (NM_001347725.2); c.1511G>A, p.Gly504Asp (NM_001347726.2); c.1709G>A, p.Gly570Asp (NM_001347727.2); c.1019G>A, p.Gly340Asp (NM_001347728.2); c.2300G>A, p.Gly767Asp (NM_001347729.1); c.2102G>A, p.Gly701Asp (NM_001347730.1); short protein forms G504D, G340D, G701D, G677D, G767D, G776D, G570D, G709D.
Identifiers: ClinVar variation 4767955 (VCV004767955.1).